The following is an entry in ClinVar:

ClinVar aggregate classification (germline): Uncertain significance (1 of 4 stars; one submission).

Allele frequency attached by ClinVar (database versions not stated): gnomAD exomes below 0.00001.
gnomAD v4.1: 1 of 1,613,796 alleles (0.000062%); highest among the groups gnomAD compares: Admixed American, 0.0017%; no homozygotes.

Submission:

Women's Health and Genetics/Laboratory Corporation of America, LabCorp
Classification: Uncertain significance. Last evaluated: 2022-07-31. Review status: criteria provided, single submitter. Criteria: LabCorp Variant Classification Summary - May 2015. Collection method: clinical testing. Allele origin: germline.
Comment: Variant summary: CNTNAP1 c.1457-6C>T alters a non-conserved nucleotide located close to a canonical splice site and therefore could affect mRNA splicing, leading to a significantly altered protein sequence. 4/4 computational tools predict no significant impact on normal splicing. However, these predictions have yet to be confirmed by functional studies. The variant allele was found at a frequency of 4e-06 in 251086 control chromosomes. The available data on variant occurrences in the general population are insufficient to allow any conclusion about variant significance. To our knowledge, no occurrence of c.1457-6C>T in individuals affected with Neuropathy, Congenital Hypomyelinating, 3/CNTNAP1-related phenotypes and no experimental evidence demonstrating its impact on protein function have been reported. No clinical diagnostic laboratories have submitted clinical-significance assessments for this variant to ClinVar after 2014. Based on the evidence outlined above, the variant was classified as uncertain significance.

NM_003632.3(CNTNAP1):c.1457-6C>T

Gene: CNTNAP1 (contactin associated protein 1; plus strand). Cytogenetic location: 17q21.2.
Variant type: single nucleotide variant.
Coding change: c.1457-6C>T on transcript NM_003632.3 (MANE Select); 6 bases into the intron before coding-DNA position 1457, C replaced by T.
Molecular consequence: intron variant.
Genome position (GRCh38, 1-based): chr17:42,688,870, C>T. VCF-style: chr17-42688870-C-T. GRCh37 (hg19) VCF-style: chr17-40840888-C-T.
Identifiers: ClinVar variation 1704533 (VCV001704533.1), dbSNP rs1452165433, ClinGen allele CA626219781.